The following is an entry in ClinVar:

NM_014915.3(ANKRD26):c.1748A>T (p.Gln583Leu)

Gene: ANKRD26 (ankyrin repeat domain 26; minus strand). Cytogenetic location: 10p12.1.
Variant type: single nucleotide variant.
Coding change: c.1748A>T on transcript NM_014915.3 (MANE Select); coding-DNA position 1748, A replaced by T.
Protein change: p.Gln583Leu; replaces glutamine 583 with leucine.
Molecular consequence: missense variant.
Genome position (GRCh38, 1-based): chr10:27,048,867, T>A on the plus strand (A>T on the coding strand, the complement: ANKRD26 is on the minus strand). VCF-style: chr10-27048867-T-A. GRCh37 (hg19) VCF-style: chr10-27337796-T-A.
Other names: c.1748A>T, p.Gln583Leu (NM_001256053.2); short protein forms Q583L.
Identifiers: ClinVar variation 2862684 (VCV002862684.4), dbSNP rs2135345680, ClinGen allele CA376353857.

ClinVar aggregate classification (germline): Uncertain significance. Review status: criteria provided, multiple submitters, no conflicts (2 of 4 stars). 2 submissions from 2 submitters: Uncertain significance (2). Last evaluated 2025-02-21.

Conditions:
Inborn genetic diseases. Identifiers: MedGen C0950123, MeSH D030342.

Submissions (2):

Ambry Genetics
Classification: Uncertain significance for Inborn genetic diseases. Last evaluated: 2025-02-21. Review status: criteria provided, single submitter. Criteria: Ambry Variant Classification Scheme 2023. Collection method: clinical testing. Allele origin: germline.
Comment: The p.Q583L variant (also known as c.1748A>T), located in coding exon 17 of the ANKRD26 gene, results from an A to T substitution at nucleotide position 1748. The glutamine at codon 583 is replaced by leucine, an amino acid with dissimilar properties. This amino acid position is conserved. In addition, this alteration is predicted to be tolerated by in silico analysis. Based on the available evidence, the clinical significance of this variant remains unclear.

Labcorp Genetics (formerly Invitae), Labcorp
Classification: Uncertain significance. Last evaluated: 2023-09-14. Review status: criteria provided, single submitter. Criteria: Invitae Variant Classification Sherloc (09022015). Collection method: clinical testing. Allele origin: germline.
Comment: This sequence change replaces glutamine, which is neutral and polar, with leucine, which is neutral and non-polar, at codon 583 of the ANKRD26 protein (p.Gln583Leu). This variant is not present in population databases (gnomAD no frequency). In summary, the available evidence is currently insufficient to determine the role of this variant in disease. Therefore, it has been classified as a Variant of Uncertain Significance. An algorithm developed to predict the effect of missense changes on protein structure and function (PolyPhen-2) suggests that this variant is likely to be tolerated. This variant has not been reported in the literature in individuals affected with ANKRD26-related conditions.